The following is an entry in ClinVar:

ClinVar aggregate classification (germline): Uncertain significance (1 of 4 stars; one submission).

Conditions:
BBS12-related disorder. Also called: BBS12-related condition.

Submission:

PreventionGenetics, part of Exact Sciences
Classification: Uncertain significance for BBS12-related condition. Last evaluated: 2026-07-29. Review status: criteria provided, single submitter. Criteria: ACMG Guidelines, 2015. Collection method: clinical testing. Allele origin: germline.
Comment: The BBS12 c.1603G>A variant is predicted to result in the amino acid substitution p.Val535Ile. To our knowledge, this variant has not been reported in the literature or in a large population database (gnomAD), indicating this variant is rare. Of note, another missense variant affecting the same amino acid (p.Val535Gly) was reported in a patient with nephronophthisis-related ciliopathy (Table S3, Rao et al. 2019. PubMed ID: 31328266). At this time, the clinical significance of this variant is uncertain due to the absence of conclusive functional and genetic evidence.

NM_152618.3(BBS12):c.1603G>A (p.Val535Ile)

Gene: BBS12 (Bardet-Biedl syndrome 12; plus strand). Cytogenetic location: 4q27.
Variant type: single nucleotide variant.
Coding change: c.1603G>A on transcript NM_152618.3 (MANE Select); coding-DNA position 1603, G replaced by A.
Protein change: p.Val535Ile; replaces valine 535 with isoleucine.
Molecular consequence: missense variant.
Genome position (GRCh38, 1-based): chr4:122,743,495, G>A. VCF-style: chr4-122743495-G-A. GRCh37 (hg19) VCF-style: chr4-123664650-G-A.
Other names: c.1603G>A, p.Val535Ile (NM_001178007.2); short protein forms V535I.
Identifiers: ClinVar variation 4993592 (VCV004993592.1).